The following is an entry in ClinVar:

NM_177924.5(ASAH1):c.1062G>A (p.Met354Ile)

Gene: ASAH1 (N-acylsphingosine amidohydrolase 1; minus strand). Cytogenetic location: 8p22.
Variant type: single nucleotide variant.
Coding change: c.1062G>A on transcript NM_177924.5 (MANE Select); coding-DNA position 1062, G replaced by A.
Protein change: p.Met354Ile; replaces methionine 354 with isoleucine.
Molecular consequence: missense variant.
Genome position (GRCh38, 1-based): chr8:18,058,871, C>T on the plus strand (G>A on the coding strand, the complement: ASAH1 is on the minus strand). VCF-style: chr8-18058871-C-T. GRCh37 (hg19) VCF-style: chr8-17916380-C-T.
Other names: c.1044G>A, p.Met348Ile (NM_001127505.3); c.867G>A, p.Met289Ile (NM_001363743.2); c.1110G>A, p.Met370Ile (NM_004315.6); short protein forms M354I, M370I, M289I, M348I.
Identifiers: ClinVar variation 1365276 (VCV001365276.3), dbSNP rs1177139631, ClinGen allele CA370427075.

ClinVar aggregate classification (germline): Uncertain significance (1 of 4 stars; one submission).

Allele frequency attached by ClinVar (database versions not stated): gnomAD exomes 0.00001.

Submission:

Labcorp Genetics (formerly Invitae), Labcorp
Classification: Uncertain significance. Last evaluated: 2022-06-27. Review status: criteria provided, single submitter. Criteria: Invitae Variant Classification Sherloc (09022015). Collection method: clinical testing. Allele origin: germline.
Comment: This sequence change replaces methionine, which is neutral and non-polar, with isoleucine, which is neutral and non-polar, at codon 354 of the ASAH1 protein (p.Met354Ile). This variant is not present in population databases (gnomAD no frequency). This variant has not been reported in the literature in individuals affected with ASAH1-related conditions. Algorithms developed to predict the effect of missense changes on protein structure and function output the following: SIFT: "Tolerated"; PolyPhen-2: "Benign"; Align-GVGD: "Class C0". The isoleucine amino acid residue is found in multiple mammalian species, which suggests that this missense change does not adversely affect protein function. In summary, the available evidence is currently insufficient to determine the role of this variant in disease. Therefore, it has been classified as a Variant of Uncertain Significance.